The following is an entry in ClinVar:

ClinVar aggregate classification (germline): Likely pathogenic (1 of 4 stars; one submission).

Conditions:
Early-infantile DEE. Also called: Early infantile epileptic encephalopathy; Ohtahara syndrome; Early infantile epileptic encephalopathy with suppression bursts. Identifiers: Orphanet 1934, MedGen C0393706, MONDO:0800491.

Submission:

Labcorp Genetics (formerly Invitae), Labcorp
Classification: Likely pathogenic for Early-infantile DEE. Last evaluated: 2020-04-08. Review status: criteria provided, single submitter. Criteria: Invitae Variant Classification Sherloc (09022015). Collection method: clinical testing. Allele origin: germline.
Comment: In summary, the currently available evidence indicates that the variant is pathogenic, but additional data are needed to prove that conclusively. Therefore, this variant has been classified as Likely Pathogenic. Algorithms developed to predict the effect of sequence changes on RNA splicing suggest that this variant may create or strengthen a splice site, but this prediction has not been confirmed by published transcriptional studies. Algorithms developed to predict the effect of missense changes on protein structure and function (SIFT, PolyPhen-2, Align-GVGD) all suggest that this variant is likely to be disruptive, but these predictions have not been confirmed by published functional studies and their clinical significance is uncertain. This variant has been observed in individual(s) with early onset epilepsy (Invitae). In at least one individual the variant was observed to be de novo. This variant is not present in population databases (ExAC no frequency). This sequence change replaces phenylalanine with cysteine at codon 1705 of the SCN1A protein (p.Phe1705Cys). The phenylalanine residue is highly conserved and there is a large physicochemical difference between phenylalanine and cysteine.

NM_001165963.4(SCN1A):c.5114_5115delinsGT (p.Phe1705Cys)

Genes: SCN1A (sodium voltage-gated channel alpha subunit 1; minus strand), LOC102724058 (uncharacterized LOC102724058; plus strand). Cytogenetic location: 2q24.3.
Variant type: Indel.
Coding change: c.5114_5115delinsGT on transcript NM_001165963.4 (MANE Select); coding-DNA positions 5114 to 5115, TC replaced by GT.
Protein change: p.Phe1705Cys; replaces phenylalanine 1705 with cysteine.
Molecular consequence: missense variant. On other transcripts: non-coding transcript variant (1).
Genome position (GRCh38, 1-based): chr2:165,992,160-165,992,161, GA replaced by AC on the plus strand (TC replaced by GT on the coding strand, the reverse complement: SCN1A is on the minus strand). VCF-style: chr2-165992160-GA-AC. GRCh37 (hg19) VCF-style: chr2-166848670-GA-AC.
Other names: c.5030_5031delinsGT, p.Phe1677Cys (NM_001165964.3, NM_001353957.2, NM_001353958.2); c.5114_5115delinsGT, p.Phe1705Cys (NM_001202435.3, NM_001353948.2); c.5081_5082delinsGT, p.Phe1694Cys (NM_001353949.2, NM_001353950.2, NM_001353951.2 and 2 more transcripts); c.5078_5079delinsGT, p.Phe1693Cys (NM_001353954.2, NM_001353955.2); c.5027_5028delinsGT, p.Phe1676Cys (NM_001353960.2); c.2672_2673delinsGT, p.Phe891Cys (NM_001353961.2); short protein forms F1676C, F1677C, F1693C, F1694C, F1705C, F891C.
Identifiers: ClinVar variation 939736 (VCV000939736.9), dbSNP rs1689298277, ClinGen allele CA1139655676.